The following is an entry in ClinVar:

ClinVar aggregate classification (germline): Uncertain significance (1 of 4 stars; one submission).

Submission:

Labcorp Genetics (formerly Invitae), Labcorp
Classification: Uncertain significance. Last evaluated: 2024-04-02. Review status: criteria provided, single submitter. Criteria: Invitae Variant Classification Sherloc (09022015). Collection method: clinical testing. Allele origin: germline.
Comment: This sequence change replaces valine, which is neutral and non-polar, with isoleucine, which is neutral and non-polar, at codon 1234 of the POLE protein (p.Val1234Ile). This variant is not present in population databases (gnomAD no frequency). This variant has not been reported in the literature in individuals affected with POLE-related conditions. Advanced modeling of protein sequence and biophysical properties (such as structural, functional, and spatial information, amino acid conservation, physicochemical variation, residue mobility, and thermodynamic stability) performed at Invitae indicates that this missense variant is not expected to disrupt POLE protein function with a negative predictive value of 80%. In summary, the available evidence is currently insufficient to determine the role of this variant in disease. Therefore, it has been classified as a Variant of Uncertain Significance.

NM_006231.4(POLE):c.3700G>A (p.Val1234Ile)

Gene: POLE (DNA polymerase epsilon, catalytic subunit; minus strand). Cytogenetic location: 12q24.33.
Variant type: single nucleotide variant.
Coding change: c.3700G>A on transcript NM_006231.4 (MANE Select); coding-DNA position 3700, G replaced by A.
Protein change: p.Val1234Ile; replaces valine 1234 with isoleucine.
Molecular consequence: missense variant.
Genome position (GRCh38, 1-based): chr12:132,649,772, C>T on the plus strand (G>A on the coding strand, the complement: POLE is on the minus strand). VCF-style: chr12-132649772-C-T. GRCh37 (hg19) VCF-style: chr12-133226358-C-T.
Other names: short protein forms V1234I.
Identifiers: ClinVar variation 3693900 (VCV003693900.2).